The following is an entry in ClinVar:

ClinVar aggregate classification (germline): Uncertain significance. Review status: criteria provided, multiple submitters, no conflicts (2 of 4 stars). 2 submissions from 2 submitters: Uncertain significance (2). Last evaluated 2026-06-03.

Conditions:
Inborn genetic diseases. Identifiers: MedGen C0950123, MeSH D030342.

Allele frequency attached by ClinVar (database versions not stated): ExAC 0.00001.
gnomAD v4.1: 1 of 1,614,086 alleles (0.000062%); highest among the groups gnomAD compares: Non-Finnish European, 0.000085%; no homozygotes.

Submissions (2):

Ambry Genetics
Classification: Uncertain significance for Inborn genetic diseases. Last evaluated: 2026-06-03. Review status: criteria provided, single submitter. Criteria: Ambry Variant Classification Scheme 2023. Collection method: clinical testing. Allele origin: germline.

Labcorp Genetics (formerly Invitae), Labcorp
Classification: Uncertain significance. Last evaluated: 2022-09-12. Review status: criteria provided, single submitter. Criteria: Invitae Variant Classification Sherloc (09022015). Collection method: clinical testing. Allele origin: germline.
Comment: In summary, the available evidence is currently insufficient to determine the role of this variant in disease. Therefore, it has been classified as a Variant of Uncertain Significance. Advanced modeling of protein sequence and biophysical properties (such as structural, functional, and spatial information, amino acid conservation, physicochemical variation, residue mobility, and thermodynamic stability) performed at Invitae indicates that this missense variant is not expected to disrupt MYH3 protein function. This variant has not been reported in the literature in individuals affected with MYH3-related conditions. This variant is present in population databases (rs778496251, gnomAD 0.0009%). This sequence change replaces alanine, which is neutral and non-polar, with proline, which is neutral and non-polar, at codon 999 of the MYH3 protein (p.Ala999Pro).

NM_002470.4(MYH3):c.2995G>C (p.Ala999Pro)

Gene: MYH3 (myosin heavy chain 3; minus strand). Cytogenetic location: 17p13.1.
Variant type: single nucleotide variant.
Coding change: c.2995G>C on transcript NM_002470.4 (MANE Select); coding-DNA position 2995, G replaced by C.
Protein change: p.Ala999Pro; replaces alanine 999 with proline.
Molecular consequence: missense variant.
Genome position (GRCh38, 1-based): chr17:10,639,405, C>G on the plus strand (G>C on the coding strand, the complement: MYH3 is on the minus strand). VCF-style: chr17-10639405-C-G. GRCh37 (hg19) VCF-style: chr17-10542722-C-G.
Other names: c.2995G>C (NM_002470.3); short protein forms A999P.
Identifiers: ClinVar variation 1933944 (VCV001933944.6), dbSNP rs778496251, ClinGen allele CA8392639.